The following is an entry in ClinVar:

NM_012120.3(CD2AP):c.1566A>C (p.Pro522=)

Gene: CD2AP (CD2 associated protein; plus strand). Cytogenetic location: 6p12.3.
Variant type: single nucleotide variant.
Coding change: c.1566A>C on transcript NM_012120.3 (MANE Select); coding-DNA position 1566, A replaced by C.
Protein change: p.Pro522=; no amino-acid change (proline 522 retained).
Molecular consequence: synonymous variant.
Genome position (GRCh38, 1-based): chr6:47,607,962, A>C. VCF-style: chr6-47607962-A-C. GRCh37 (hg19) VCF-style: chr6-47575698-A-C.
Other names: c.1566A>C (NM_012120.2).
Identifiers: ClinVar variation 4534528 (VCV004534528.7).
Genomic context (GRCh38, chr6:47,607,962, plus strand): 5'-TCTTGACTTCTAAAAAATCATTTAGCCAACTCACAGCCCCGAAAAAATCTTGAAGTTACC[A>C]AAAGAAGAAGACAGTGCCAACCTGAAGCCATCTGAATTAAAAAAAGATACATGCTACTCT-3'
Protein context (NP_036252.1, residues 512-532): THSPEKILKL[Pro522=]KEEDSANLKP

ClinVar aggregate classification (germline): Likely benign. Review status: criteria provided, multiple submitters, no conflicts (2 of 4 stars). 2 submissions from 2 submitters: Likely benign (2). Last evaluated 2025-11-01.

Conditions:
CD2AP-related disorder. Also called: CD2AP-related condition.

gnomAD v4.1: 39 of 1,612,848 alleles (0.0024%); highest among the groups gnomAD compares: Non-Finnish European, 0.0031%; no homozygotes.

Submissions (2):

CeGaT Center for Human Genetics Tuebingen
Classification: Likely benign. Last evaluated: 2025-11-01. Review status: criteria provided, single submitter. Criteria: CeGaT Center For Human Genetics Tuebingen Variant Classification Criteria Version 2. Collection method: clinical testing. Allele origin: germline. Affected: yes. Observed: 1 variant allele.
Comment: CD2AP: BP4, BP7

PreventionGenetics, part of Exact Sciences
Classification: Likely benign for CD2AP-related condition. Last evaluated: 2025-03-12. Review status: criteria provided, single submitter. Criteria: ACMG Guidelines, 2015. Collection method: clinical testing. Allele origin: germline.
Comment: This variant is classified as likely benign based on ACMG/AMP sequence variant interpretation guidelines (Richards et al. 2015 PMID: 25741868, with internal and published modifications).